The following is an entry in ClinVar:

ClinVar aggregate classification (germline): Uncertain significance (1 of 4 stars; one submission).

Conditions:
Pancreatic adenocarcinoma. Identifiers: MedGen C0281361, MONDO:0006047, HP:0006725.

Submission:

Labcorp Genetics (formerly Invitae), Labcorp
Classification: Uncertain significance for Pancreatic adenocarcinoma. Last evaluated: 2021-06-23. Review status: criteria provided, single submitter. Criteria: Invitae Variant Classification Sherloc (09022015). Collection method: clinical testing. Allele origin: germline.
Comment: This sequence change replaces methionine with leucine at codon 12 of the PALLD protein (p.Met12Leu). The methionine residue is weakly conserved and there is a small physicochemical difference between methionine and leucine. The frequency data for this variant in the population databases is considered unreliable, as metrics indicate insufficient coverage at this position in the ExAC database. This variant has not been reported in the literature in individuals with PALLD-related conditions. Algorithms developed to predict the effect of missense changes on protein structure and function (SIFT, PolyPhen-2, Align-GVGD) all suggest that this variant is likely to be tolerated, but these predictions have not been confirmed by published functional studies and their clinical significance is uncertain. In summary, the available evidence is currently insufficient to determine the role of this variant in disease. Therefore, it has been classified as a Variant of Uncertain Significance.

NM_001166108.2(PALLD):c.1965-12997A>T

Gene: PALLD (palladin, cytoskeletal associated protein; plus strand). Cytogenetic location: 4q32.3.
Variant type: single nucleotide variant.
Coding change: c.1965-12997A>T on transcript NM_001166108.2 (MANE Select); 12997 bases into the intron before coding-DNA position 1965, A replaced by T.
Molecular consequence: intron variant. On other transcripts: missense variant (1).
Genome position (GRCh38, 1-based): chr4:168,877,925, A>T. VCF-style: chr4-168877925-A-T. GRCh37 (hg19) VCF-style: chr4-169799076-A-T.
Other names: c.34A>T, p.Met12Leu (NM_001166110.2); c.1965-12997A>T (NM_016081.4); c.819-12997A>T (NM_001166109.2); c.-157-12997A>T (NM_001367570.1, NM_001367568.1, NM_001367567.1 and 1 more transcripts); short protein forms M12L.
Identifiers: ClinVar variation 1402511 (VCV001402511.8), dbSNP rs2151115353, ClinGen allele CA358794729.